The following is an entry in ClinVar:

ClinVar aggregate classification (germline): Uncertain significance (1 of 4 stars; one submission).

Submission:

Labcorp Genetics (formerly Invitae), Labcorp
Classification: Uncertain significance. Last evaluated: 2025-06-17. Review status: criteria provided, single submitter. Criteria: Invitae Variant Classification Sherloc (09022015). Collection method: clinical testing. Allele origin: germline.
Comment: This sequence change replaces alanine, which is neutral and non-polar, with glycine, which is neutral and non-polar, at codon 523 of the TCF3 protein (p.Ala523Gly). This variant is not present in population databases (gnomAD no frequency). This variant has not been reported in the literature in individuals affected with TCF3-related conditions. ClinVar contains an entry for this variant (Variation ID: 2825098). Invitae Evidence Modeling of protein sequence and biophysical properties (such as structural, functional, and spatial information, amino acid conservation, physicochemical variation, residue mobility, and thermodynamic stability) indicates that this missense variant is not expected to disrupt TCF3 protein function with a negative predictive value of 80%. In summary, the available evidence is currently insufficient to determine the role of this variant in disease. Therefore, it has been classified as a Variant of Uncertain Significance.

NM_003200.5(TCF3):c.1568C>G (p.Ala523Gly)

Gene: TCF3 (transcription factor 3; minus strand). Cytogenetic location: 19p13.3.
Variant type: single nucleotide variant.
Coding change: c.1568C>G on transcript NM_003200.5 (MANE Select); coding-DNA position 1568, C replaced by G.
Protein change: p.Ala523Gly; replaces alanine 523 with glycine.
Molecular consequence: missense variant.
Genome position (GRCh38, 1-based): chr19:1,615,704, G>C on the plus strand (C>G on the coding strand, the complement: TCF3 is on the minus strand). VCF-style: chr19-1615704-G-C. GRCh37 (hg19) VCF-style: chr19-1615703-G-C.
Other names: c.1568C>G, p.Ala523Gly (NM_001136139.4, NM_001351779.2); c.1565C>G, p.Ala522Gly (NM_001351778.2); short protein forms A523G, A522G.
Identifiers: ClinVar variation 2825098 (VCV002825098.3), dbSNP rs2513324151, ClinGen allele CA403051465.